The following is an entry in ClinVar:

NM_004793.4(LONP1):c.2749AAG[1] (p.Lys918del)

Gene: LONP1 (lon peptidase 1, mitochondrial; minus strand). Cytogenetic location: 19p13.3.
Variant type: Microsatellite.
Coding change: c.2749AAG[1] on transcript NM_004793.4 (MANE Select); one copy of the 3-base unit AAG starting at c.2749; the reference has two copies in a row; one copy, 3 bases deleted.
Protein change: p.Lys918del; deletes lysine 918.
Molecular consequence: inframe deletion. On other transcripts: non-coding transcript variant (1).
Genome position (GRCh38, 1-based): chr19:5,692,158-5,692,160, CTT deleted on the plus strand (AAG on the coding strand, the reverse complement: LONP1 is on the minus strand); deleting any 3 consecutive bases within chr19:5,692,158-5,692,163 gives the same sequence; the position shown is the placement nearest the transcript's 3' end. VCF-style (leftmost placement, unchanged base first): chr19-5692157-CCTT-C. GRCh37 (hg19) VCF-style: chr19-5692168-CCTT-C.
Other names: c.2557AAG[1], p.Lys854del (NM_001276479.2); c.2161AAG[1], p.Lys722del (NM_001276480.1); short protein forms K722del, K854del, K918del.
Identifiers: ClinVar variation 3616999 (VCV003616999.2).

ClinVar aggregate classification (germline): Uncertain significance (1 of 4 stars; one submission).

Submission:

Labcorp Genetics (formerly Invitae), Labcorp
Classification: Uncertain significance. Last evaluated: 2025-12-03. Review status: criteria provided, single submitter. Criteria: Invitae Variant Classification Sherloc (09022015). Collection method: clinical testing. Allele origin: germline.
Comment: This variant, c.2752_2754del, results in the deletion of 1 amino acid(s) of the LONP1 protein (p.Lys918del), but otherwise preserves the integrity of the reading frame. This variant is present in population databases (rs751060700, gnomAD 0.003%). This variant has not been reported in the literature in individuals affected with LONP1-related conditions. Experimental studies and prediction algorithms are not available or were not evaluated, and the functional significance of this variant is currently unknown. In summary, the available evidence is currently insufficient to determine the role of this variant in disease. Therefore, it has been classified as a Variant of Uncertain Significance.